The following is an entry in ClinVar:

ClinVar aggregate classification (germline): Uncertain significance (1 of 4 stars; one submission).

gnomAD v4.1: 1 of 1,613,748 alleles (0.000062%); highest among the groups gnomAD compares: Non-Finnish European, 0.000085%; no homozygotes.

Submission:

Ambry Genetics
Classification: Uncertain significance. Last evaluated: 2024-04-16. Review status: criteria provided, single submitter. Criteria: Ambry Variant Classification Scheme 2023. Collection method: clinical testing. Allele origin: germline.
Comment: The p.V767I variant (also known as c.2299G>A), located in coding exon 15 of the RINT1 gene, results from a G to A substitution at nucleotide position 2299. The valine at codon 767 is replaced by isoleucine, an amino acid with highly similar properties. This amino acid position is conserved. In addition, this alteration is predicted to be tolerated by in silico analysis. Based on the available evidence, the clinical significance of this variant remains unclear.

NM_021930.6(RINT1):c.2299G>A (p.Val767Ile)

Genes: EFCAB10 (EF-hand calcium binding domain 10; minus strand), RINT1 (RAD50 interactor 1; plus strand). Cytogenetic location: 7q22.3.
Variant type: single nucleotide variant.
Coding change: c.2299G>A on transcript NM_021930.6 (MANE Select); coding-DNA position 2299, G replaced by A.
Protein change: p.Val767Ile; replaces valine 767 with isoleucine.
Molecular consequence: missense variant. On other transcripts: 3 prime UTR variant (2), non-coding transcript variant (1), intron variant (3).
Genome position (GRCh38, 1-based): chr7:105,567,231, G>A. VCF-style: chr7-105567231-G-A. GRCh37 (hg19) VCF-style: chr7-105207678-G-A.
Other names: c.*223C>T (NM_001355527.2, NM_001355529.2); c.2065G>A, p.Val689Ile (NM_001346599.2); c.1276G>A, p.Val426Ile (NM_001346600.2, NM_001346603.2); c.1375G>A, p.Val459Ile (NM_001346601.2); c.360-1784C>T (NM_001355531.2); c.383+236C>T (NM_001355526.2, NM_001355530.2); short protein forms V426I, V767I, V689I, V459I.
Identifiers: ClinVar variation 3314451 (VCV003314451.1).
Genomic context (GRCh38, chr7:105,567,231, plus strand): 5'-CTGAAAGATGTACTGCAGTCAGCTTCAGGGCAGCTTCCTGCCACAGCAGCATTAAATGAA[G>A]TTGGAATTTACAAACTGGCTCAACAAGATGTTGAGATTCTACTTAATTTGAGGACAAATT-3'
Protein context (NP_068749.3, residues 757-777): QLPATAALNE[Val767Ile]GIYKLAQQDV